The following is an entry in ClinVar:

ClinVar aggregate classification (germline): Uncertain significance. Review status: criteria provided, multiple submitters, no conflicts (2 of 4 stars). 2 submissions from 2 submitters: Uncertain significance (2). Last evaluated 2025-07-28.

Conditions:
Hereditary cancer-predisposing syndrome. Also called: Hereditary Cancer Syndrome; Neoplastic Syndromes, Hereditary; Tumor predisposition; Hereditary neoplastic syndrome. Identifiers: Orphanet 140162, MedGen C0027672, MeSH D009386, MONDO:0015356.

Allele frequency attached by ClinVar (database versions not stated): TOPMed below 0.00001.

Submissions (2):

Ambry Genetics
Classification: Uncertain significance for Hereditary cancer-predisposing syndrome. Last evaluated: 2025-07-28. Review status: criteria provided, single submitter. Criteria: Ambry Variant Classification Scheme 2023. Collection method: clinical testing. Allele origin: germline.
Comment: The p.K732E variant (also known as c.2194A>G), located in coding exon 20 of the POLE gene, results from an A to G substitution at nucleotide position 2194. The lysine at codon 732 is replaced by glutamic acid, an amino acid with similar properties. This amino acid position is conserved. In addition, the in silico prediction for this alteration is inconclusive. Since supporting evidence is limited at this time, the clinical significance of this alteration remains unclear.

Labcorp Genetics (formerly Invitae), Labcorp
Classification: Uncertain significance. Last evaluated: 2021-02-12. Review status: criteria provided, single submitter. Criteria: Invitae Variant Classification Sherloc (09022015). Collection method: clinical testing. Allele origin: germline.
Comment: In summary, the available evidence is currently insufficient to determine the role of this variant in disease. Therefore, it has been classified as a Variant of Uncertain Significance. Algorithms developed to predict the effect of missense changes on protein structure and function are either unavailable or do not agree on the potential impact of this missense change (SIFT: "Tolerated"; PolyPhen-2: "Possibly Damaging"; Align-GVGD: "Class C0"). This variant has not been reported in the literature in individuals with POLE-related conditions. This variant is not present in population databases (ExAC no frequency). This sequence change replaces lysine with glutamic acid at codon 732 of the POLE protein (p.Lys732Glu). The lysine residue is highly conserved and there is a small physicochemical difference between lysine and glutamic acid.

NM_006231.4(POLE):c.2194A>G (p.Lys732Glu)

Gene: POLE (DNA polymerase epsilon, catalytic subunit; minus strand). Cytogenetic location: 12q24.33.
Variant type: single nucleotide variant.
Coding change: c.2194A>G on transcript NM_006231.4 (MANE Select); coding-DNA position 2194, A replaced by G.
Protein change: p.Lys732Glu; replaces lysine 732 with glutamic acid.
Molecular consequence: missense variant.
Genome position (GRCh38, 1-based): chr12:132,667,628, T>C on the plus strand (A>G on the coding strand, the complement: POLE is on the minus strand). VCF-style: chr12-132667628-T-C. GRCh37 (hg19) VCF-style: chr12-133244214-T-C.
Other names: short protein forms K732E.
Identifiers: ClinVar variation 1022447 (VCV001022447.12), dbSNP rs2042826959, ClinGen allele CA387352329.
Genomic context (GRCh38, chr12:132,667,628, plus strand): 5'-AGTTTTCCCGCTGGCAGATGGTGGTGAGACGCTCTTCCACCTTGGTGATGTGGATCTTCT[T>C]GTAGGCTTTCCGGCAGTAATCTAAGCACGACGGAGATGGGCAGAGCAGGTGGGTGAGATC-3'
Protein context (NP_006222.2, residues 722-742): RLADYCRKAY[Lys732Glu]KIHITKVEER